The following is an entry in ClinVar:

NM_152564.5(VPS13B):c.7634C>T (p.Pro2545Leu)

Gene: VPS13B (vacuolar protein sorting 13 homolog B; plus strand). Cytogenetic location: 8q22.2.
Variant type: single nucleotide variant.
Coding change: c.7634C>T on transcript NM_152564.5 (MANE Select); coding-DNA position 7634, C replaced by T.
Protein change: p.Pro2545Leu; replaces proline 2545 with leucine.
Molecular consequence: missense variant.
Genome position (GRCh38, 1-based): chr8:99,778,886, C>T. VCF-style: chr8-99778886-C-T. GRCh37 (hg19) VCF-style: chr8-100791114-C-T.
Other names: c.7709C>T, p.Pro2570Leu (NM_017890.5); short protein forms P2545L, P2570L.
Identifiers: ClinVar variation 2147797 (VCV002147797.4), dbSNP rs1413795857, ClinGen allele CA371876394.

ClinVar aggregate classification (germline): Uncertain significance (1 of 4 stars; one submission).

Conditions:
Cohen syndrome (COH1). Also called: PEPPER SYNDROME; Cutis verticis gyrata, retinitis pigmentosa, and sensorineural deafness. Identifiers: Orphanet 193, MedGen C0265223, MONDO:0008999, OMIM 216550.

Allele frequency attached by ClinVar (database versions not stated): gnomAD exomes below 0.00001; TOPMed 0.00001.
gnomAD v4.1: 1 of 1,613,948 alleles (0.000062%); highest among the groups gnomAD compares: African/African-American, 0.0013%; no homozygotes.

Submission:

Labcorp Genetics (formerly Invitae), Labcorp
Classification: Uncertain significance for Cohen syndrome. Last evaluated: 2023-08-04. Review status: criteria provided, single submitter. Criteria: Invitae Variant Classification Sherloc (09022015). Collection method: clinical testing. Allele origin: germline.
Comment: This sequence change replaces proline, which is neutral and non-polar, with leucine, which is neutral and non-polar, at codon 2570 of the VPS13B protein (p.Pro2570Leu). In summary, the available evidence is currently insufficient to determine the role of this variant in disease. Therefore, it has been classified as a Variant of Uncertain Significance. Advanced modeling of protein sequence and biophysical properties (such as structural, functional, and spatial information, amino acid conservation, physicochemical variation, residue mobility, and thermodynamic stability) performed at Invitae indicates that this missense variant is expected to disrupt VPS13B protein function. ClinVar contains an entry for this variant (Variation ID: 2147797). This variant has not been reported in the literature in individuals affected with VPS13B-related conditions. This variant is not present in population databases (gnomAD no frequency).